The following continues an entry in ClinVar:

NM_018062.4(FANCL):c.217-11T>C

Gene: FANCL. ClinVar aggregate classification (germline): Benign. Benign (8).

Submissions 102 to 117 of 117:

Dr. Peter K. Rogan Lab, Western University
No classification provided (evidence only). Condition: Lymphoma. Review status: no classification provided. Collection method: in vitro. Allele origin: not applicable. Functional consequence: skipped exon, retained intron. Not counted in ClinVar's aggregate classification.

Dr. Peter K. Rogan Lab, Western University
No classification provided (evidence only). Condition: Lymphoma. Review status: no classification provided. Collection method: in vitro. Allele origin: not applicable. Functional consequence: skipped exon. Not counted in ClinVar's aggregate classification.

Dr. Peter K. Rogan Lab, Western University
No classification provided (evidence only). Condition: Lymphoma. Review status: no classification provided. Collection method: in vitro. Allele origin: not applicable. Functional consequence: skipped exon. Not counted in ClinVar's aggregate classification.

Dr. Peter K. Rogan Lab, Western University
No classification provided (evidence only). Condition: Lymphoma. Review status: no classification provided. Collection method: in vitro. Allele origin: not applicable. Functional consequence: skipped exon, retained intron. Not counted in ClinVar's aggregate classification.

Dr. Peter K. Rogan Lab, Western University
No classification provided (evidence only). Condition: Ovarian cancer. Review status: no classification provided. Collection method: in vitro. Allele origin: not applicable. Functional consequence: skipped exon. Not counted in ClinVar's aggregate classification.

Dr. Peter K. Rogan Lab, Western University
No classification provided (evidence only). Condition: Ovarian cancer. Review status: no classification provided. Collection method: in vitro. Allele origin: not applicable. Functional consequence: skipped exon. Not counted in ClinVar's aggregate classification.

Dr. Peter K. Rogan Lab, Western University
No classification provided (evidence only). Condition: Ovarian cancer. Review status: no classification provided. Collection method: in vitro. Allele origin: not applicable. Functional consequence: skipped exon, retained intron. Not counted in ClinVar's aggregate classification.

Dr. Peter K. Rogan Lab, Western University
No classification provided (evidence only). Condition: Ovarian cancer. Review status: no classification provided. Collection method: in vitro. Allele origin: not applicable. Functional consequence: skipped exon. Not counted in ClinVar's aggregate classification.

Dr. Peter K. Rogan Lab, Western University
No classification provided (evidence only). Condition: Ovarian cancer. Review status: no classification provided. Collection method: in vitro. Allele origin: not applicable. Functional consequence: skipped exon. Not counted in ClinVar's aggregate classification.

Dr. Peter K. Rogan Lab, Western University
No classification provided (evidence only). Condition: Ovarian cancer. Review status: no classification provided. Collection method: in vitro. Allele origin: not applicable. Functional consequence: skipped exon, retained intron. Not counted in ClinVar's aggregate classification.

Dr. Peter K. Rogan Lab, Western University
No classification provided (evidence only). Condition: Ovarian cancer. Review status: no classification provided. Collection method: in vitro. Allele origin: not applicable. Functional consequence: skipped exon. Not counted in ClinVar's aggregate classification.

Dr. Peter K. Rogan Lab, Western University
No classification provided (evidence only). Condition: Ovarian cancer. Review status: no classification provided. Collection method: in vitro. Allele origin: not applicable. Functional consequence: skipped exon, retained intron. Not counted in ClinVar's aggregate classification.

Dr. Peter K. Rogan Lab, Western University
No classification provided (evidence only). Condition: Ovarian cancer. Review status: no classification provided. Collection method: in vitro. Allele origin: not applicable. Functional consequence: skipped exon, retained intron. Not counted in ClinVar's aggregate classification.

Dr. Peter K. Rogan Lab, Western University
No classification provided (evidence only). Condition: Ovarian cancer. Review status: no classification provided. Collection method: in vitro. Allele origin: not applicable. Functional consequence: skipped exon. Not counted in ClinVar's aggregate classification.

Dr. Peter K. Rogan Lab, Western University
No classification provided (evidence only). Condition: Ovarian cancer. Review status: no classification provided. Collection method: in vitro. Allele origin: not applicable. Functional consequence: skipped exon. Not counted in ClinVar's aggregate classification.

Dr. Peter K. Rogan Lab, Western University
No classification provided (evidence only). Condition: Ovarian cancer. Review status: no classification provided. Collection method: in vitro. Allele origin: not applicable. Functional consequence: skipped exon. Not counted in ClinVar's aggregate classification.